The following is an entry in ClinVar:

ClinVar aggregate classification (germline): Uncertain significance (1 of 4 stars; one submission).

Submission:

GeneDx
Classification: Uncertain significance. Last evaluated: 2024-01-05. Review status: criteria provided, single submitter. Criteria: GeneDx Variant Classification Process June 2021. Collection method: clinical testing. Allele origin: germline. Affected: yes.
Comment: Not observed at significant frequency in large population cohorts (gnomAD); In silico analysis supports that this missense variant does not alter protein structure/function; Has not been previously published as pathogenic or benign to our knowledge

NM_181552.4(CUX1):c.541G>C (p.Glu181Gln)

Gene: CUX1 (cut like homeobox 1; plus strand). Cytogenetic location: 7q22.1.
Variant type: single nucleotide variant.
Coding change: c.541G>C on transcript NM_181552.4 (MANE Select); coding-DNA position 541, G replaced by C.
Protein change: p.Glu181Gln; replaces glutamic acid 181 with glutamine.
Molecular consequence: missense variant.
Genome position (GRCh38, 1-based): chr7:102,111,708, G>C. VCF-style: chr7-102111708-G-C. GRCh37 (hg19) VCF-style: chr7-101754988-G-C.
Other names: c.574G>C, p.Glu192Gln (NM_001202543.2, NM_001913.5, NM_181500.4); c.526G>C, p.Glu176Gln (NM_001202544.3); c.436G>C, p.Glu146Gln (NM_001202545.3); c.463G>C, p.Glu155Gln (NM_001202546.3); short protein forms E146Q, E155Q, E176Q, E181Q, E192Q.
Identifiers: ClinVar variation 3367440 (VCV003367440.1).